The following is an entry in ClinVar:

ClinVar aggregate classification (germline): Uncertain significance. Review status: criteria provided, multiple submitters, no conflicts (2 of 4 stars). 2 submissions from 2 submitters: Uncertain significance (2). Last evaluated 2026-05-08.

Conditions:
Hereditary cancer-predisposing syndrome. Also called: Neoplastic Syndromes, Hereditary; Tumor predisposition; Hereditary Cancer Syndrome; Hereditary neoplastic syndrome. Identifiers: Orphanet 140162, MedGen C0027672, MeSH D009386, MONDO:0015356.

gnomAD v4.1: 3 of 1,614,010 alleles (0.00019%); highest among the groups gnomAD compares: South Asian, 0.0033%; no homozygotes.

Submissions (2):

Ambry Genetics
Classification: Uncertain significance for Hereditary cancer-predisposing syndrome. Last evaluated: 2026-05-08. Review status: criteria provided, single submitter. Criteria: Ambry Variant Classification Scheme 2023. Collection method: clinical testing. Allele origin: germline.
Comment: The p.V726A variant (also known as c.2177T>C), located in coding exon 10 of the BRCA2 gene, results from a T to C substitution at nucleotide position 2177. The valine at codon 726 is replaced by alanine, an amino acid with similar properties. This amino acid position is well conserved in available vertebrate species. In addition, this alteration is predicted to be tolerated by in silico analysis. Based on the available evidence, the clinical significance of this variant remains unclear.

Quest Diagnostics Nichols Institute San Juan Capistrano
Classification: Uncertain significance. Last evaluated: 2025-05-28. Review status: criteria provided, single submitter. Criteria: Quest Diagnostics criteria. Collection method: clinical testing. Allele origin: unknown.
Comment: The BRCA2 c.2177T>C (p.Val726Ala) variant has not been reported in individuals with BRCA2-related conditions in the published literature. The frequency of this variant in the general population (Genome Aggregation Database) is uninformative in the assessment of its pathogenicity. Analysis of this variant using bioinformatics tools for the prediction of the effect of amino acid changes on protein structure and function yielded predictions that this variant is benign. Based on the available information, we are unable to determine the clinical significance of this variant.

NM_000059.4(BRCA2):c.2177T>C (p.Val726Ala)

Gene: BRCA2 (BRCA2 DNA repair associated; plus strand). Cytogenetic location: 13q13.1.
Variant type: single nucleotide variant.
Coding change: c.2177T>C on transcript NM_000059.4 (MANE Select); coding-DNA position 2177, T replaced by C.
Protein change: p.Val726Ala; replaces valine 726 with alanine.
Molecular consequence: missense variant. On other transcripts: non-coding transcript variant (1), intron variant (2).
Genome position (GRCh38, 1-based): chr13:32,336,532, T>C. VCF-style: chr13-32336532-T-C. GRCh37 (hg19) VCF-style: chr13-32910669-T-C.
Other names: c.2177T>C, p.Val726Ala (NM_001406719.1, NM_001406720.1, NM_001432077.1); c.1909+3145T>C (NM_001406721.1); c.424+5502T>C (NM_001406722.1); short protein forms V726A.
Identifiers: ClinVar variation 4532821 (VCV004532821.2).
Genomic context (GRCh38, chr13:32,336,532, plus strand): 5'-CTGATTCTCTGTCATGCCTGCAGGAAGGACAGTGTGAAAATGATCCAAAAAGCAAAAAAG[T>C]TTCAGATATAAAAGAAGAGGTCTTGGCTGCAGCATGTCACCCAGTACAACATTCAAAAGT-3'
Protein context (NP_000050.3, residues 716-736): QCENDPKSKK[Val726Ala]SDIKEEVLAA